The following is an entry in ClinVar:

NM_001364905.1(LRBA):c.1015-3C>T

Gene: LRBA (LPS responsive beige-like anchor protein; minus strand). Cytogenetic location: 4q31.3.
Variant type: single nucleotide variant.
Coding change: c.1015-3C>T on transcript NM_001364905.1 (MANE Select); 3 bases into the intron before coding-DNA position 1015, C replaced by T.
Molecular consequence: intron variant.
Genome position (GRCh38, 1-based): chr4:150,914,344, G>A on the plus strand (C>T on the coding strand, the complement: LRBA is on the minus strand). VCF-style: chr4-150914344-G-A. GRCh37 (hg19) VCF-style: chr4-151835496-G-A.
Other names: c.1015-3C>T (NM_001367550.1, NM_006726.5, NM_001199282.3 and 2 more transcripts).
Identifiers: ClinVar variation 1378592 (VCV001378592.6), dbSNP rs1303888921, ClinGen allele CA555559832.

ClinVar aggregate classification (germline): Uncertain significance (1 of 4 stars; one submission).

Conditions:
Combined immunodeficiency due to LRBA deficiency. Also called: Common variable immunodeficiency 8, with autoimmunity. Identifiers: Orphanet 445018, MedGen C3553512, MONDO:0013863, OMIM 614700.

Allele frequency attached by ClinVar (database versions not stated): gnomAD exomes 0.00001.

Submission:

Labcorp Genetics (formerly Invitae), Labcorp
Classification: Uncertain significance for Combined immunodeficiency due to LRBA deficiency. Last evaluated: 2021-03-12. Review status: criteria provided, single submitter. Criteria: Invitae Variant Classification Sherloc (09022015). Collection method: clinical testing. Allele origin: germline.
Comment: In summary, the available evidence is currently insufficient to determine the role of this variant in disease. Therefore, it has been classified as a Variant of Uncertain Significance. This variant is not present in population databases (ExAC no frequency). This sequence change falls in intron 8 of the LRBA gene. It does not directly change the encoded amino acid sequence of the LRBA protein. It affects a nucleotide within the consensus splice site of the intron. This variant has not been reported in the literature in individuals with LRBA-related conditions. Nucleotide substitutions within the consensus splice site are a relatively common cause of aberrant splicing (PMID: 17576681, 9536098). Algorithms developed to predict the effect of sequence changes on RNA splicing suggest that this variant is not likely to affect RNA splicing, but this prediction has not been confirmed by published transcriptional studies.

Literature cited by the submitters: PubMed 17576681; PubMed 9536098.